The following is an entry in ClinVar:

ClinVar aggregate classification (germline): Uncertain significance (1 of 4 stars; one submission).

Conditions:
Charcot-Marie-Tooth disease type 4. Also called: Charcot-Marie-Tooth, Type 4; Charcot-Marie-Tooth disease, type IV. Identifiers: Orphanet 64749, MedGen C4082197, MONDO:0018995.

Allele frequency attached by ClinVar (database versions not stated): TOPMed below 0.00001; gnomAD 0.00001.
gnomAD v4.1: 1 of 1,613,358 alleles (0.000062%); highest among the groups gnomAD compares: Admixed American, 0.0017%; no homozygotes.

Submission:

Labcorp Genetics (formerly Invitae), Labcorp
Classification: Uncertain significance for Charcot-Marie-Tooth disease type 4. Last evaluated: 2020-09-07. Review status: criteria provided, single submitter. Criteria: Invitae Variant Classification Sherloc (09022015). Collection method: clinical testing. Allele origin: germline.
Comment: In summary, the available evidence is currently insufficient to determine the role of this variant in disease. Therefore, it has been classified as a Variant of Uncertain Significance. Algorithms developed to predict the effect of missense changes on protein structure and function are either unavailable or do not agree on the potential impact of this missense change (SIFT: "Tolerated"; PolyPhen-2: "Possibly Damaging"; Align-GVGD: "Class C0"). This variant has not been reported in the literature in individuals with PRX-related conditions. This variant is not present in population databases (ExAC no frequency). This sequence change replaces proline with serine at codon 730 of the PRX protein (p.Pro730Ser). The proline residue is moderately conserved and there is a moderate physicochemical difference between proline and serine.

NM_181882.3(PRX):c.2188C>T (p.Pro730Ser)

Gene: PRX (periaxin; minus strand). Cytogenetic location: 19q13.2.
Variant type: single nucleotide variant.
Coding change: c.2188C>T on transcript NM_181882.3 (MANE Select); coding-DNA position 2188, C replaced by T.
Protein change: p.Pro730Ser; replaces proline 730 with serine.
Molecular consequence: missense variant. On other transcripts: 3 prime UTR variant (1).
Genome position (GRCh38, 1-based): chr19:40,396,164, G>A on the plus strand (C>T on the coding strand, the complement: PRX is on the minus strand). VCF-style: chr19-40396164-G-A. GRCh37 (hg19) VCF-style: chr19-40902071-G-A.
Other names: c.*2393C>T (NM_020956.2); short protein forms P730S.
Identifiers: ClinVar variation 1061093 (VCV001061093.9), dbSNP rs2079433440, ClinGen allele CA405896809.
Genomic context (GRCh38, chr19:40,396,164, plus strand): 5'-CTTTCGGCAGCTGCACCTCGGGGAGGTGCACATCGGGCACAGCCATCTCAGGCACCTTGG[G>A]GAGTTTTATCTCTGGGAGCTTCATGTCAGGGACTTTCATTTCACAGACTTTGGGCAGCTG-3'
Protein context (NP_870998.2, residues 720-740): PDMKLPEIKL[Pro730Ser]KVPEMAVPDV